The following is an entry in ClinVar:

ClinVar aggregate classification (germline): Likely benign (1 of 4 stars; one submission).

gnomAD v4.1: 143 of 1,614,104 alleles (0.0089%); highest among the groups gnomAD compares: Non-Finnish European, 0.0069%; no homozygotes.

Submission:

Mayo Clinic Laboratories, Mayo Clinic
Classification: Likely benign. Last evaluated: 2025-09-09. Review status: criteria provided, single submitter. Criteria: ACMG Guidelines, 2015. Collection method: clinical testing. Allele origin: germline. Observed: 1 variant allele.
Comment: BS1, BP4_moderate

NM_015378.4(VPS13D):c.11324T>C (p.Met3775Thr)

Gene: VPS13D (vacuolar protein sorting 13 homolog D; plus strand). Cytogenetic location: 1p36.22.
Variant type: single nucleotide variant.
Coding change: c.11324T>C on transcript NM_015378.4 (MANE Select); coding-DNA position 11324, T replaced by C.
Protein change: p.Met3775Thr; replaces methionine 3775 with threonine.
Molecular consequence: missense variant.
Genome position (GRCh38, 1-based): chr1:12,383,109, T>C. VCF-style: chr1-12383109-T-C. GRCh37 (hg19) VCF-style: chr1-12443168-T-C.
Other names: p.Met3775Thr; c.11249T>C, p.Met3750Thr (NM_018156.4); short protein forms M3750T, M3775T.
Identifiers: ClinVar variation 4684657 (VCV004684657.1).
Genomic context (GRCh38, chr1:12,383,109, plus strand): 5'-TGGGGCCAGTTCCACCTGAACAACAATTTATTAATCAAAAAATGAGACCTGGTTCTGGAA[T>C]GTTATCCATCAGAGTCATCCCAGATGGACCAACTAGAGCACTCCAGGTGATAATTTGTCA-3'
Protein context (NP_056193.2, residues 3765-3785): INQKMRPGSG[Met3775Thr]LSIRVIPDGP